The following is an entry in ClinVar:

NM_194291.3(TMEM65):c.144G>A (p.Pro48=)

Genes: TMEM65 (transmembrane protein 65; minus strand), LOC130001070 (ATAC-STARR-seq lymphoblastoid silent region 19510; plus strand). Cytogenetic location: 8q24.13.
Variant type: single nucleotide variant.
Coding change: c.144G>A on transcript NM_194291.3 (MANE Select); coding-DNA position 144, G replaced by A.
Protein change: p.Pro48=; no amino-acid change (proline 48 retained).
Molecular consequence: synonymous variant.
Genome position (GRCh38, 1-based): chr8:124,372,014, C>T on the plus strand (G>A on the coding strand, the complement: TMEM65 is on the minus strand). VCF-style: chr8-124372014-C-T. GRCh37 (hg19) VCF-style: chr8-125384255-C-T.
Identifiers: ClinVar variation 2658795 (VCV002658795.24), dbSNP rs918427484, ClinGen allele CA185402130.

ClinVar aggregate classification (germline): Likely benign (1 of 4 stars; one submission).

Allele frequency attached by ClinVar (database versions not stated): gnomAD 0.00013; TOPMed 0.00016; 1000 Genomes Project 30x 0.00031.
gnomAD v4.1: 503 of 1,309,482 alleles (0.038%); highest among the groups gnomAD compares: Non-Finnish European, 0.048%; no homozygotes.

Submission:

CeGaT Center for Human Genetics Tuebingen
Classification: Likely benign. Last evaluated: 2022-08-01. Review status: criteria provided, single submitter. Criteria: CeGaT Center For Human Genetics Tuebingen Variant Classification Criteria Version 2. Collection method: clinical testing. Allele origin: germline. Affected: yes. Observed: 1 variant allele.
Comment: TMEM65: BP4, BP7